The following is an entry in ClinVar:

NM_001080517.3(SETD5):c.191G>C (p.Arg64Pro)

Gene: SETD5 (SET domain containing 5; plus strand). Cytogenetic location: 3p25.3.
Variant type: single nucleotide variant.
Coding change: c.191G>C on transcript NM_001080517.3 (MANE Select); coding-DNA position 191, G replaced by C.
Protein change: p.Arg64Pro; replaces arginine 64 with proline.
Molecular consequence: missense variant. On other transcripts: 5 prime UTR variant (2).
Genome position (GRCh38, 1-based): chr3:9,434,347, G>C. VCF-style: chr3-9434347-G-C. GRCh37 (hg19) VCF-style: chr3-9476031-G-C.
Other names: c.-143G>C (NM_001292043.2); c.-184G>C (NM_001349451.2); short protein forms R64P.
Identifiers: ClinVar variation 736003 (VCV000736003.33), dbSNP rs368353953, ClinGen allele CA2238881.
Genomic context (GRCh38, chr3:9,434,347, plus strand): 5'-ACGGAGCCCCTCCTCCTCCGACACCTCCTGCTTCTCCCCCTGTCCAGACGATCATCCCTC[G>C]TTCTGACCTGAATGGCCTGCCGTCGCCTGTAGAGGAACGCTGTGGAGACAGCCCGAACTC-3'
Protein context (NP_001073986.1, residues 54-74): RGLPYATIIP[Arg64Pro]SDLNGLPSPV

ClinVar aggregate classification (germline): Benign/Likely benign. Review status: criteria provided, multiple submitters, no conflicts (2 of 4 stars). 3 submissions from 3 submitters: Benign (1); Likely benign (2). Last evaluated 2025-11-25.

Allele frequency attached by ClinVar (database versions not stated): TOPMed 0.00007; ESP Exome Variant Server 0.00016.
gnomAD v4.1: 154 of 1,613,618 alleles (0.0095%); highest among the groups gnomAD compares: Admixed American, 0.02%; 1 homozygote.

Submissions (3):

Labcorp Genetics (formerly Invitae), Labcorp
Classification: Likely benign. Last evaluated: 2025-11-25. Review status: criteria provided, single submitter. Criteria: Invitae Variant Classification Sherloc (09022015). Collection method: clinical testing. Allele origin: germline.

CeGaT Center for Human Genetics Tuebingen
Classification: Benign. Last evaluated: 2022-07-01. Review status: criteria provided, single submitter. Criteria: CeGaT Center For Human Genetics Tuebingen Variant Classification Criteria Version 2. Collection method: clinical testing. Allele origin: germline. Affected: yes. Observed: 1 variant allele.
Comment: SETD5: BS1, BS2

GeneDx
Classification: Likely benign. Last evaluated: 2021-03-05. Review status: criteria provided, single submitter. Criteria: GeneDx Variant Classification Process June 2021. Collection method: clinical testing. Allele origin: germline. Affected: yes.